The following is an entry in ClinVar:

NM_002230.4(JUP):c.485C>T (p.Ala162Val)

Gene: JUP (junction plakoglobin; minus strand). Cytogenetic location: 17q21.2.
Variant type: single nucleotide variant.
Coding change: c.485C>T on transcript NM_002230.4 (MANE Select); coding-DNA position 485, C replaced by T.
Protein change: p.Ala162Val; replaces alanine 162 with valine.
Molecular consequence: missense variant.
Genome position (GRCh38, 1-based): chr17:41,769,191, G>A on the plus strand (C>T on the coding strand, the complement: JUP is on the minus strand). VCF-style: chr17-41769191-G-A. GRCh37 (hg19) VCF-style: chr17-39925443-G-A.
Other names: c.485C>T (NM_002230.2); c.485C>T, p.Ala162Val (NM_001352773.2, NM_001352774.2, NM_001352775.2 and 3 more transcripts); short protein forms A162V.
Identifiers: ClinVar variation 1379750 (VCV001379750.7), dbSNP rs369121094, ClinGen allele CA8565460.

ClinVar aggregate classification (germline): Uncertain significance. Review status: criteria provided, multiple submitters, no conflicts (2 of 4 stars). 2 submissions from 2 submitters: Uncertain significance (2). Last evaluated 2024-01-17.

Conditions:
Arrhythmogenic right ventricular dysplasia 12. Also called: ARRHYTHMOGENIC RIGHT VENTRICULAR DYSPLASIA, FAMILIAL, 12. Identifiers: MedGen C1969081, MONDO:0012684, OMIM 611528.
Naxos disease (NXD). Also called: PALMOPLANTAR KERATODERMA WITH ARRHYTHMOGENIC RIGHT VENTRICULAR CARDIOMYOPATHY AND WOOLLY HAIR; WOOLLY HAIR, PALMOPLANTAR KERATODERMA, AND CARDIAC ABNORMALITIES; KERATOSIS PALMOPLANTARIS WITH ARRHYTHMOGENIC CARDIOMYOPATHY; MAL DE NAXOS; CARDIOMYOPATHY, ARRHYTHMOGENIC RIGHT VENTRICULAR, WITH SKIN, HAIR, AND NAIL ABNORMALITIES. Identifiers: Orphanet 34217, MedGen C1832600, MONDO:0011017, OMIM 601214.
Cardiomyopathy (CMYO). Also called: Cardiomyopathies. Identifiers: Orphanet 167848, MedGen C0878544, MONDO:0004994, HP:0001638. Inheritance: Various modes of inheritance.

Allele frequency attached by ClinVar (database versions not stated): ExAC 0.00001; gnomAD 0.00001; gnomAD exomes 0.00001; TOPMed 0.00001.
gnomAD v4.1: 20 of 1,600,920 alleles (0.0012%); highest among the groups gnomAD compares: East Asian, 0.027%; no homozygotes.

Submissions (2):

Labcorp Genetics (formerly Invitae), Labcorp
Classification: Uncertain significance for Arrhythmogenic right ventricular dysplasia 12; Naxos disease. Last evaluated: 2024-01-17. Review status: criteria provided, single submitter. Criteria: Invitae Variant Classification Sherloc (09022015). Collection method: clinical testing. Allele origin: germline.
Comment: This sequence change replaces alanine, which is neutral and non-polar, with valine, which is neutral and non-polar, at codon 162 of the JUP protein (p.Ala162Val). This variant is present in population databases (rs369121094, gnomAD 0.01%). This variant has not been reported in the literature in individuals affected with JUP-related conditions. ClinVar contains an entry for this variant (Variation ID: 1379750). An algorithm developed to predict the effect of missense changes on protein structure and function (PolyPhen-2) suggests that this variant is likely to be tolerated. In summary, the available evidence is currently insufficient to determine the role of this variant in disease. Therefore, it has been classified as a Variant of Uncertain Significance.

CHEO Genetics Diagnostic Laboratory, Children's Hospital of Eastern Ontario
Classification: Uncertain significance for Cardiomyopathy. Last evaluated: 2023-03-30. Review status: criteria provided, single submitter. Criteria: ACMG Guidelines, 2015. Collection method: clinical testing. Allele origin: germline.